The following is an entry in ClinVar:

NM_024649.5(BBS1):c.2T>C (p.Met1Thr)

Gene: BBS1 (Bardet-Biedl syndrome 1; plus strand). Cytogenetic location: 11q13.2.
Variant type: single nucleotide variant.
Coding change: c.2T>C on transcript NM_024649.5 (MANE Select); coding-DNA position 2, T replaced by C.
Protein change: p.Met1Thr; changes the start codon (methionine 1).
Molecular consequence: missense variant, initiator codon variant.
Genome position (GRCh38, 1-based): chr11:66,510,661, T>C. VCF-style: chr11-66510661-T-C. GRCh37 (hg19) VCF-style: chr11-66278132-T-C.
Other names: c.2T>C (NM_024649.4); short protein forms M1T.
Identifiers: ClinVar variation 1986958 (VCV001986958.8), dbSNP rs1222159281, ClinGen allele CA381453164.

ClinVar aggregate classification (germline): Pathogenic/Likely pathogenic. Review status: criteria provided, multiple submitters, no conflicts (2 of 4 stars). 4 submissions from 4 submitters: Pathogenic (2); Likely pathogenic (2). Last evaluated 2026-01-20.

Conditions:
Bardet-Biedl syndrome (BBS). Identifiers: Orphanet 110, MedGen C0752166, MONDO:0015229.
Bardet-Biedl syndrome 1 (BBS1). Identifiers: MedGen C2936862, MONDO:0008854, OMIM 209900. Disease mechanism: loss of function.
BBS1-related disorder. Also called: BBS1-related condition.

Allele frequency attached by ClinVar (database versions not stated): gnomAD exomes below 0.00001.

Submissions (4):

Natera, Inc.
Classification: Likely pathogenic for Bardet-Biedl syndrome type 1. Last evaluated: 2026-01-20. Review status: criteria provided, single submitter. Criteria: Natera Variant Classification Schema (03/2026). Collection method: clinical testing. Allele origin: germline.
Comment: The c.2T>C variant in BBS1 is predicted to result in start loss due to disruption of the initiator methionine. This variant is expected to result in nonsense mediated decay, truncation, or a dysfunctional protein product. This variant is rare in the general population with a frequency below the threshold expected for the associated phenotype(s). Given the available evidence, this variant is classified as Likely Pathogenic.

PreventionGenetics, part of Exact Sciences
Classification: Pathogenic for BBS1-related condition. Last evaluated: 2025-07-30. Review status: criteria provided, single submitter. Criteria: ACMG Guidelines, 2015. Collection method: clinical testing. Allele origin: germline.
Comment: The BBS1 c.2T>C variant is predicted to disrupt the translation initiation site (Start Loss). Variants that disrupt the initiator codon have been reported in individuals with Bardet-Biedl syndrome (Gerth et al. 2007. PubMed ID: 17980398; Manara et al. 2019. PubMed ID: 31196119). This variant is reported in 0.00088% of alleles in individuals of European (Non-Finnish) descent in gnomAD. This variant is classified as pathogenic in ClinVar (Variation ID: 1986958). This variant is expected to result in a loss of BBS1 protein function and is expected to be pathogenic. This variant is interpreted as pathogenic.

Myriad Genetics, Inc.
Classification: Likely pathogenic for Bardet-Biedl syndrome 1. Last evaluated: 2025-01-31. Review status: criteria provided, single submitter. Criteria: Myriad Autosomal Dominant, Autosomal Recessive and X-Linked Classification Criteria (2023). Collection method: clinical testing. Allele origin: unknown.
Comment: NM_024649.4(BBS1):c.2T>C(M1?) is an initiation codon variant classified as likely pathogenic in the context of Bardet-Biedl syndrome, BBS1-related. M1? has been observed in a case with relevant disease (PMID: 33046855). Relevant functional assessments of this variant are not available in the literature. M1? has been observed in referenced population frequency databases. In summary, NM_024649.4(BBS1):c.2T>C(M1?) is an initiation codon variant that has been observed more frequently in cases with the relevant disease than in healthy populations. Please note: this variant was assessed in the context of healthy population screening.

Labcorp Genetics (formerly Invitae), Labcorp
Classification: Pathogenic for Bardet-Biedl syndrome. Last evaluated: 2022-07-26. Review status: criteria provided, single submitter. Criteria: Invitae Variant Classification Sherloc (09022015). Collection method: clinical testing. Allele origin: germline.
Comment: This sequence change affects the initiator methionine of the BBS1 mRNA. The next in-frame methionine is located at codon 31. This variant is present in population databases (no rsID available, gnomAD 0.0009%). Disruption of the initiator codon has been observed in individual(s) with Bardet-Biedl syndrome (PMID: 17980398). This variant disrupts a region of the BBS1 protein in which other variant(s) (p.Ser16Cys) have been observed in individuals with BBS1-related conditions (PMID: 31196119). This suggests that this is a clinically significant region of the protein, and that variants that disrupt it are likely to be disease-causing. For these reasons, this variant has been classified as Pathogenic.

Literature cited by the submitters: PubMed 33046855 (cited by Myriad Genetics, Inc.); PubMed 17980398 (cited by Labcorp Genetics (formerly Invitae), Labcorp); PubMed 31196119 (cited by Labcorp Genetics (formerly Invitae), Labcorp).